The following is an entry in ClinVar:

ClinVar aggregate classification (germline): Pathogenic (1 of 4 stars; one submission).

Conditions:
Usher syndrome type 1F (USH1F). Also called: USHER SYNDROME, TYPE IF. Identifiers: Orphanet 231169, Orphanet 886, MedGen C1865885, MONDO:0011186, OMIM 602083.

Submission:

Myriad Genetics, Inc.
Classification: Pathogenic for Usher syndrome type 1F. Last evaluated: 2025-09-24. Review status: criteria provided, single submitter. Criteria: Myriad Autosomal Dominant, Autosomal Recessive and X-Linked Classification Criteria (2023). Collection method: clinical testing. Allele origin: unknown.
Comment: NM_033056.3(PCDH15):c.335_338delACTC(H112Pfs*23) is expected to be pathogenic in the context of PCDH15-related disorders. This variant is predicted to lead to an abnormal or absent protein product due to the creation of a premature termination codon in PCDH15, a gene where loss-of-function variants are known to be pathogenic. Please note: this variant was assessed in the context of healthy population screening.

NM_001384140.1(PCDH15):c.335_338del (p.His112fs)

Gene: PCDH15 (protocadherin related 15; minus strand). Cytogenetic location: 10q21.1.
Variant type: Deletion.
Coding change: c.335_338del on transcript NM_001384140.1 (MANE Select); coding-DNA positions 335 to 338, 4 bases deleted (ACTC; older notation c.335_338delACTC).
Protein change: p.His112fs; shifts the reading frame from histidine 112.
Molecular consequence: frameshift variant.
Genome position (GRCh38, 1-based): chr10:54,369,256-54,369,259, GAGT deleted on the plus strand (ACTC on the coding strand, the reverse complement: PCDH15 is on the minus strand); deleting any 4 consecutive bases within chr10:54,369,256-54,369,260 gives the same sequence; the c. name uses the placement nearest the transcript's 3' end. VCF-style (leftmost placement, unchanged base first): chr10-54369255-GGAGT-G. GRCh37 (hg19) VCF-style: chr10-56129015-GGAGT-G.
Other names: c.350_353del, p.His117fs (NM_001142763.2, NM_001142771.2); c.335_338del, p.His112fs (NM_001142764.2, NM_001142765.2, NM_001142766.2 and 8 more transcripts); c.269_272del, p.His90fs (NM_001142768.2, NM_001142773.2, NM_001354404.2); c.349_352delCACT, p.His117Profs (NM_001142769.4); short protein forms H112fs, H117fs, H90fs.
Identifiers: ClinVar variation 5015014 (VCV005015014.1).